The following is an entry in ClinVar:

NM_001844.5(COL2A1):c.1286G>A (p.Gly429Asp)

Gene: COL2A1 (collagen type II alpha 1 chain; minus strand). Cytogenetic location: 12q13.11.
Variant type: single nucleotide variant.
Coding change: c.1286G>A on transcript NM_001844.5 (MANE Select); coding-DNA position 1286, G replaced by A.
Protein change: p.Gly429Asp; replaces glycine 429 with aspartic acid.
Molecular consequence: missense variant.
Genome position (GRCh38, 1-based): chr12:47,987,157, C>T on the plus strand (G>A on the coding strand, the complement: COL2A1 is on the minus strand). VCF-style: chr12-47987157-C-T. GRCh37 (hg19) VCF-style: chr12-48380940-C-T.
Other names: c.1079G>A, p.Gly360Asp (NM_033150.3); short protein forms G360D, G429D.
Identifiers: ClinVar variation 2632940 (VCV002632940.4), dbSNP rs2540151727, ClinGen allele CA384554006.

ClinVar aggregate classification (germline): Pathogenic/Likely pathogenic. Review status: criteria provided, multiple submitters, no conflicts (2 of 4 stars). 4 submissions from 4 submitters: Pathogenic (3); Likely pathogenic (1). Last evaluated 2025-03-05.

Conditions:
Spondyloperipheral dysplasia. Also called: Spondyloperipheral dysplasia-short ulna syndrome; SPONDYLOPERIPHERAL DYSPLASIA WITH SHORT ULNA. Identifiers: Orphanet 1856, MedGen C0796173, MONDO:0010078, OMIM 271700.
COL2A1-related disorder. Also called: COL2A1-related condition; COL2A1-related disorders.

Submissions (4):

GeneDx
Classification: Pathogenic. Last evaluated: 2025-03-05. Review status: criteria provided, single submitter. Criteria: GeneDx Variant Classification Process June 2021. Collection method: clinical testing. Allele origin: germline. Affected: yes.
Comment: Identified in a patient with a COL2A1-related disorder in published literature; however specific information on the patient's phenotype was not provided (PMID: 22791362); Occurs in the triple helical domain and replaces a glycine in a canonical Gly-X-Y repeat; missense substitution of a canonical glycine residue is expected to disrupt normal protein folding and function, and this is an established mechanism of disease (PMID: 34007986); In silico analysis supports that this missense variant has a deleterious effect on protein structure/function; Not observed at significant frequency in large population cohorts (gnomAD); This variant is associated with the following publications: (PMID: 27535533, 38259611, Chen2024[Letter], 32333414, 22791362, 34007986)

3billion
Classification: Pathogenic for COL2A1-related disorder. Last evaluated: 2024-08-30. Review status: criteria provided, single submitter. Criteria: ACMG Guidelines, 2015. Collection method: clinical testing. Allele origin: germline. Affected: yes.
Comment: The variant is not observed in the gnomAD v4.0.0 dataset. Predicted Consequence/Location: The variant is located in a mutational hot spot and/or well-established functional domain in which established pathogenic variants have been reported (PMID: 26626311). In silico tool predictions suggest damaging effect of the variant on gene or gene product [REVEL: 0.97 (>=0.6, sensitivity 0.68 and specificity 0.92); 3Cnet: 0.99 (>=0.6, sensitivity 0.72 and precision 0.9)]. The same nucleotide change resulting in the same amino acid change has been previously reported to be associated with COL2A1-related disorder (ClinVar ID: VCV002632940 /PMID: 22791362, 32333414). The variant has been previously reported as de novo in a similarly affected individual (PMID: 32333414). The variant has been observed in at least two similarly affected unrelated individuals (PMID: 22791362, 32333414). Therefore, this variant is classified as Pathogenic according to the recommendation of ACMG/AMP guideline.

Genetics and Genomic Medicine Centre, NeuroGen Healthcare, NeuroGen Healthcare
Classification: Pathogenic for Spondyloperipheral dysplasia. Last evaluated: 2024-05-06. Review status: criteria provided, single submitter. Criteria: ACMG Guidelines, 2015. Collection method: clinical testing. Allele origin: unknown. Affected: yes.

PreventionGenetics, part of Exact Sciences
Classification: Likely pathogenic for COL2A1-related condition. Last evaluated: 2023-04-17. Review status: criteria provided, single submitter. Criteria: ACMG Guidelines, 2015. Collection method: clinical testing. Allele origin: germline.
Comment: The COL2A1 c.1286G>A variant is predicted to result in the amino acid substitution p.Gly429Asp. The p.Gly429Asp variant (also referred to as p.Gly229Asp using legacy nomenclaure) affects a Gly residue of the conserved triple helical domain, where substitutions of the glycine are usually pathogenic (Barat-Houari et al. 2016. PubMed ID: 26626311). This variant was reported in two individuals with COL2A1-related dysplasia, and was found to be de novo in one of these patients (Terhal et al. 2012. PubMed ID: 22791362; Deden et al. 2020. PubMed ID: 32333414). This variant has not been reported in a large population database, indicating this variant is rare. This variant is interpreted as likely pathogenic.

Literature cited by the submitters: PubMed 32333414 (cited by 3billion); PubMed 26626311 (cited by 3billion); PubMed 22791362 (cited by 3billion).